The following is an entry in ClinVar:

NM_001458.5(FLNC):c.1890C>G (p.Tyr630Ter)

Gene: FLNC (filamin C; plus strand). Cytogenetic location: 7q32.1.
Variant type: single nucleotide variant.
Coding change: c.1890C>G on transcript NM_001458.5 (MANE Select); coding-DNA position 1890, C replaced by G.
Protein change: p.Tyr630Ter; replaces tyrosine 630 with a stop codon.
Molecular consequence: nonsense.
Genome position (GRCh38, 1-based): chr7:128,841,246, C>G. VCF-style: chr7-128841246-C-G. GRCh37 (hg19) VCF-style: chr7-128481300-C-G.
Other names: c.1890C>G, p.Tyr630Ter (NM_001127487.2); short protein forms Y630*.
Identifiers: ClinVar variation 1425206 (VCV001425206.6), dbSNP rs2128935258, ClinGen allele CA369227298.
Genomic context (GRCh38, chr7:128,841,246, plus strand): 5'-GCCCTCACAAGCCAAGATCGAATGTGACGACAAGGGGGATGGCTCCTGCGATGTGCGGTA[C>G]TGGCCCACGGAGCCTGGGGAGTACGCTGTGCACGTCATCTGTGACGATGAGGACATCCGA-3'

ClinVar aggregate classification (germline): Pathogenic (1 of 4 stars; one submission).

Conditions:
Myofibrillar myopathy 5. Also called: FILAMINOPATHY, AUTOSOMAL DOMINANT; Filaminopathy (type). Identifiers: Orphanet 171445, MedGen C1836050, MONDO:0012289, OMIM 609524.
Distal myopathy with posterior leg and anterior hand involvement. Also called: WILLIAMS DISTAL MYOPATHY. Identifiers: Orphanet 63273, MedGen C3279722, MONDO:0013550, OMIM 614065.
Hypertrophic cardiomyopathy 26. Also called: Cardiomyopathy, familial hypertrophic, 26. Identifiers: Orphanet 75249, MedGen C4310749, MONDO:0014883, OMIM 617047.

Submission:

Labcorp Genetics (formerly Invitae), Labcorp
Classification: Pathogenic for Distal myopathy with posterior leg and anterior hand involvement; Myofibrillar myopathy 5; Hypertrophic cardiomyopathy 26. Last evaluated: 2021-10-06. Review status: criteria provided, single submitter. Criteria: Invitae Variant Classification Sherloc (09022015). Collection method: clinical testing. Allele origin: germline.
Comment: For these reasons, this variant has been classified as Pathogenic. Algorithms developed to predict the effect of sequence changes on RNA splicing suggest that this variant may create or strengthen a splice site. This premature translational stop signal has been observed in individual(s) with dilated cardiomyopathy (PMID: 28436997). This variant is not present in population databases (ExAC no frequency). This sequence change creates a premature translational stop signal (p.Tyr630*) in the FLNC gene. It is expected to result in an absent or disrupted protein product. Loss-of-function variants in FLNC are known to be pathogenic (PMID: 27908349).

Literature cited by the submitters: PubMed 28436997; PubMed 27908349.